The following is an entry in ClinVar:

ClinVar aggregate classification (germline): Uncertain significance (1 of 4 stars; one submission).

Conditions:
Early-infantile DEE. Also called: Early infantile epileptic encephalopathy with suppression bursts; Early infantile epileptic encephalopathy; Ohtahara syndrome. Identifiers: Orphanet 1934, MedGen C0393706, MONDO:0800491.

Submission:

Labcorp Genetics (formerly Invitae), Labcorp
Classification: Uncertain significance for Early-infantile DEE. Last evaluated: 2025-07-14. Review status: criteria provided, single submitter. Criteria: Invitae Variant Classification Sherloc (09022015). Collection method: clinical testing. Allele origin: germline.
Comment: This sequence change replaces leucine, which is neutral and non-polar, with arginine, which is basic and polar, at codon 268 of the SCN1A protein (p.Leu268Arg). This variant is not present in population databases (gnomAD no frequency). This variant has not been reported in the literature in individuals affected with SCN1A-related conditions. Invitae Evidence Modeling of protein sequence and biophysical properties (such as structural, functional, and spatial information, amino acid conservation, physicochemical variation, residue mobility, and thermodynamic stability) indicates that this missense variant is expected to disrupt SCN1A protein function with a positive predictive value of 95%. In summary, the available evidence is currently insufficient to determine the role of this variant in disease. Therefore, it has been classified as a Variant of Uncertain Significance.

NM_001165963.4(SCN1A):c.803T>G (p.Leu268Arg)

Gene: SCN1A (sodium voltage-gated channel alpha subunit 1; minus strand). Cytogenetic location: 2q24.3.
Variant type: single nucleotide variant.
Coding change: c.803T>G on transcript NM_001165963.4 (MANE Select); coding-DNA position 803, T replaced by G.
Protein change: p.Leu268Arg; replaces leucine 268 with arginine.
Molecular consequence: missense variant. On other transcripts: 5 prime UTR variant (1), non-coding transcript variant (1).
Genome position (GRCh38, 1-based): chr2:166,051,880, A>C on the plus strand (T>G on the coding strand, the complement: SCN1A is on the minus strand). VCF-style: chr2-166051880-A-C. GRCh37 (hg19) VCF-style: chr2-166908390-A-C.
Other names: c.803T>G, p.Leu268Arg (NM_001165964.3, NM_001202435.3, NM_001353948.2 and 10 more transcripts); c.-1623T>G (NM_001353961.2); short protein forms L268R.
Identifiers: ClinVar variation 4800296 (VCV004800296.1).